The following is an entry in ClinVar:

NM_000256.3(MYBPC3):c.3593C>T (p.Ala1198Val)

Gene: MYBPC3 (myosin binding protein C3; minus strand). Cytogenetic location: 11p11.2.
Variant type: single nucleotide variant.
Coding change: c.3593C>T on transcript NM_000256.3 (MANE Select); coding-DNA position 3593, C replaced by T.
Protein change: p.Ala1198Val; replaces alanine 1198 with valine.
Molecular consequence: missense variant.
Genome position (GRCh38, 1-based): chr11:47,332,600, G>A on the plus strand (C>T on the coding strand, the complement: MYBPC3 is on the minus strand). VCF-style: chr11-47332600-G-A. GRCh37 (hg19) VCF-style: chr11-47354151-G-A.
Other names: c.3593C>T, p.Ala1198Val (LRG_386t1); short protein forms A1198V.
Identifiers: ClinVar variation 237429 (VCV000237429.11), dbSNP rs878853834, ClinGen allele CA10582915.

ClinVar aggregate classification (germline): Uncertain significance. Review status: criteria provided, multiple submitters, no conflicts (2 of 4 stars). 3 submissions from 3 submitters: Uncertain significance (3). Last evaluated 2025-03-09.

Conditions:
Cardiovascular phenotype. Identifiers: MedGen CN230736.
Hypertrophic cardiomyopathy. Also called: HYPERTROPHIC MYOCARDIOPATHY. Identifiers: Orphanet 217569, MedGen C0007194, MeSH D002312, MONDO:0005045, HP:0001639.

Allele frequency attached by ClinVar (database versions not stated): gnomAD exomes below 0.00001; TOPMed 0.00002.
gnomAD v4.1: 2 of 1,613,930 alleles (0.00012%); highest among the groups gnomAD compares: African/African-American, 0.0027%; no homozygotes.

Submissions (3):

GeneDx
Classification: Uncertain significance. Last evaluated: 2025-03-09. Review status: criteria provided, single submitter. Criteria: GeneDx Variant Classification Process June 2021. Collection method: clinical testing. Allele origin: germline. Affected: yes.
Comment: Not observed at significant frequency in large population cohorts (gnomAD); In silico analysis supports that this missense variant has a deleterious effect on protein structure/function; Has not been previously published as pathogenic or benign to our knowledge

Labcorp Genetics (formerly Invitae), Labcorp
Classification: Uncertain significance for Hypertrophic cardiomyopathy. Last evaluated: 2024-02-01. Review status: criteria provided, single submitter. Criteria: Invitae Variant Classification Sherloc (09022015). Collection method: clinical testing. Allele origin: germline.
Comment: This sequence change replaces alanine, which is neutral and non-polar, with valine, which is neutral and non-polar, at codon 1198 of the MYBPC3 protein (p.Ala1198Val). This variant is not present in population databases (gnomAD no frequency). This variant has not been reported in the literature in individuals affected with MYBPC3-related conditions. ClinVar contains an entry for this variant (Variation ID: 237429). An algorithm developed to predict the effect of missense changes on protein structure and function (PolyPhen-2) suggests that this variant is likely to be tolerated. In summary, the available evidence is currently insufficient to determine the role of this variant in disease. Therefore, it has been classified as a Variant of Uncertain Significance.

Ambry Genetics
Classification: Uncertain significance for Cardiovascular phenotype. Last evaluated: 2022-04-06. Review status: criteria provided, single submitter. Criteria: Ambry Variant Classification Scheme 2023. Collection method: clinical testing. Allele origin: germline.
Comment: The p.A1198V variant (also known as c.3593C>T), located in coding exon 32 of the MYBPC3 gene, results from a C to T substitution at nucleotide position 3593. The alanine at codon 1198 is replaced by valine, an amino acid with similar properties. This amino acid position is conserved. In addition, this alteration is predicted to be tolerated by in silico analysis. Since supporting evidence is limited at this time, the clinical significance of this alteration remains unclear.